The following is an entry in ClinVar:

ClinVar aggregate classification (germline): Benign (0 of 4 stars; one submission).

Conditions:
XIST-related disorder. Also called: XIST-related condition.

Allele frequency attached by ClinVar (database versions not stated): ExAC 0.01572; ESP Exome Variant Server 0.04797; 1000 Genomes Project 0.05060; TOPMed 0.05091; 1000 Genomes Project 30x 0.05619.
gnomAD v4.1: 8,587 of 556,299 alleles (1.5%); highest among the groups gnomAD compares: African/African-American, 15%; 390 homozygotes.

Submission:

PreventionGenetics, part of Exact Sciences
Classification: Benign for XIST-related condition. Last evaluated: 2020-01-20. Review status: no assertion criteria provided. Collection method: clinical testing. Allele origin: germline.
Comment: This variant is classified as benign based on ACMG/AMP sequence variant interpretation guidelines (Richards et al. 2015 PMID: 25741868, with internal and published modifications).

NR_001564.3(XIST):n.10082A>G

Gene: XIST (X inactive specific transcript; minus strand). Cytogenetic location: Xq13.2.
Variant type: single nucleotide variant.
Genome position: GRCh38 VCF-style: chrX-73842633-T-C. GRCh37 (hg19) VCF-style: chrX-73062468-T-C.
Identifiers: ClinVar variation 3038835 (VCV003038835.2), dbSNP rs112527404, ClinGen allele CA10452697.